The following is an entry in ClinVar:

NM_004991.4(MECOM):c.483C>A (p.Asn161Lys)

Gene: MECOM (MDS1 and EVI1 complex locus; minus strand). Cytogenetic location: 3q26.2.
Variant type: single nucleotide variant.
Coding change: c.483C>A on transcript NM_004991.4 (MANE Select); coding-DNA position 483, C replaced by A.
Protein change: p.Asn161Lys; replaces asparagine 161 with lysine.
Molecular consequence: missense variant. On other transcripts: 5 prime UTR variant (12).
Genome position (GRCh38, 1-based): chr3:169,143,725, G>T on the plus strand (C>A on the coding strand, the complement: MECOM is on the minus strand). VCF-style: chr3-169143725-G-T. GRCh37 (hg19) VCF-style: chr3-168861513-G-T.
Other names: c.111C>A, p.Asn37Lys (NM_001105077.4); c.-82C>A (NM_001105078.4, NM_001163999.2, NM_001164000.2 and 9 more transcripts); c.483C>A, p.Asn161Lys (NM_001366466.2, NM_001366473.2); short protein forms N161K, N37K.
Identifiers: ClinVar variation 5024206 (VCV005024206.1).

ClinVar aggregate classification (germline): Uncertain significance (1 of 4 stars; one submission).

Conditions:
Inborn genetic diseases. Identifiers: MedGen C0950123, MeSH D030342.

Submission:

Ambry Genetics
Classification: Uncertain significance for Inborn genetic diseases. Last evaluated: 2026-09-03. Review status: criteria provided, single submitter. Criteria: Ambry Variant Classification Scheme 2023. Collection method: clinical testing. Allele origin: germline.
Comment: The p.N161K variant (also known as c.483C>A), located in coding exon 3 of the MECOM gene, results from a C to A substitution at nucleotide position 483. The asparagine at codon 161 is replaced by lysine, an amino acid with similar properties. This amino acid position is conserved. In addition, the in silico prediction for this alteration is inconclusive. Based on the available evidence, the clinical significance of this variant remains unclear.